The following is an entry in ClinVar:

ClinVar aggregate classification (germline): Uncertain significance (1 of 4 stars; one submission).

Submission:

Ambry Genetics
Classification: Uncertain significance. Last evaluated: 2025-10-26. Review status: criteria provided, single submitter. Criteria: Ambry Variant Classification Scheme 2023. Collection method: clinical testing. Allele origin: germline.
Comment: The p.W1459S variant (also known as c.4376G>C), located in coding exon 14 of the CDK12 gene, results from a G to C substitution at nucleotide position 4376. The tryptophan at codon 1459 is replaced by serine, an amino acid with highly dissimilar properties. This amino acid position is conserved. In addition, this alteration is predicted to be deleterious by in silico analysis. Based on the available evidence, the clinical significance of this variant remains unclear.

NM_016507.4(CDK12):c.4376G>C (p.Trp1459Ser)

Gene: CDK12 (cyclin dependent kinase 12; plus strand). Cytogenetic location: 17q12.
Variant type: single nucleotide variant.
Coding change: c.4376G>C on transcript NM_016507.4 (MANE Select); coding-DNA position 4376, G replaced by C.
Protein change: p.Trp1459Ser; replaces tryptophan 1459 with serine.
Molecular consequence: missense variant.
Genome position (GRCh38, 1-based): chr17:39,531,219, G>C. VCF-style: chr17-39531219-G-C. GRCh37 (hg19) VCF-style: chr17-37687472-G-C.
Other names: c.4349G>C, p.Trp1450Ser (NM_015083.4); short protein forms W1459S, W1450S.
Identifiers: ClinVar variation 4651404 (VCV004651404.1).
Genomic context (GRCh38, chr17:39,531,219, plus strand): 5'-ACTATGGGGAGCTGGGGCCAGGAACCACTGGGGCCAGCAGCTCAGGAGCAGGCCTTCACT[G>C]GGGGGGCCCAACTCAGTCTTCTGCTTATGGAAAACTCTATCGGGGGCCTACAAGAGTCCC-3'
Protein context (NP_057591.2, residues 1449-1469): GASSSGAGLH[Trp1459Ser]GGPTQSSAYG